The following is an entry in ClinVar:

NM_002016.2(FLG):c.10849C>T (p.Gln3617Ter)

Genes: FLG (filaggrin; minus strand), FLG-AS1 (FLG antisense RNA 1; plus strand). Cytogenetic location: 1q21.3.
Variant type: single nucleotide variant.
Coding change: c.10849C>T on transcript NM_002016.2 (MANE Select); coding-DNA position 10849, C replaced by T.
Protein change: p.Gln3617Ter; replaces glutamine 3617 with a stop codon.
Molecular consequence: nonsense.
Genome position (GRCh38, 1-based): chr1:152,304,037, G>A on the plus strand (C>T on the coding strand, the complement: FLG is on the minus strand). VCF-style: chr1-152304037-G-A. GRCh37 (hg19) VCF-style: chr1-152276513-G-A.
Other names: short protein forms Q3617*.
Identifiers: ClinVar variation 1033883 (VCV001033883.1), dbSNP rs1651769432, ClinGen allele CA342065219.

ClinVar aggregate classification (germline): Likely pathogenic (1 of 4 stars; one submission).

Conditions:
Dermatitis, atopic, 2. Identifiers: MedGen C1853965, MONDO:0011596, OMIM 605803.

Submission:

Baylor Genetics
Classification: Likely pathogenic for Dermatitis, atopic, 2. Last evaluated: 2018-09-12. Review status: criteria provided, single submitter. Criteria: ACMG Guidelines, 2015. Collection method: clinical testing. Allele origin: unknown. Affected: yes.
Comment: This variant was determined to be likely pathogenic according to ACMG Guidelines, 2015 [PMID:25741868].